The following is an entry in ClinVar:

ClinVar aggregate classification (germline): Uncertain significance (1 of 4 stars; one submission).

Conditions:
Carnitine palmitoyltransferase II deficiency. Also called: Carnitine Palmitoyltransferase 2 Deficiency. Identifiers: Orphanet 157, MedGen C0342790, MONDO:0015515.

Submission:

Labcorp Genetics (formerly Invitae), Labcorp
Classification: Uncertain significance for Carnitine palmitoyltransferase II deficiency. Last evaluated: 2019-04-09. Review status: criteria provided, single submitter. Criteria: Invitae Variant Classification Sherloc (09022015). Collection method: clinical testing. Allele origin: germline.
Comment: This sequence change replaces phenylalanine with leucine at codon 352 of the CPT2 protein (p.Phe352Leu). The phenylalanine residue is highly conserved and there is a small physicochemical difference between phenylalanine and leucine. This variant is not present in population databases (ExAC no frequency). This variant has not been reported in the literature in individuals with CPT2-related conditions. Algorithms developed to predict the effect of missense changes on protein structure and function (SIFT, PolyPhen-2, Align-GVGD) all suggest that this variant is likely to be tolerated, but these predictions have not been confirmed by published functional studies and their clinical significance is uncertain. In summary, the available evidence is currently insufficient to determine the role of this variant in disease. Therefore, it has been classified as a Variant of Uncertain Significance.

NM_000098.3(CPT2):c.1056T>G (p.Phe352Leu)

Gene: CPT2 (carnitine palmitoyltransferase 2; plus strand). Cytogenetic location: 1p32.3.
Variant type: single nucleotide variant.
Coding change: c.1056T>G on transcript NM_000098.3 (MANE Select); coding-DNA position 1056, T replaced by G.
Protein change: p.Phe352Leu; replaces phenylalanine 352 with leucine.
Molecular consequence: missense variant.
Genome position (GRCh38, 1-based): chr1:53,210,730, T>G. VCF-style: chr1-53210730-T-G. GRCh37 (hg19) VCF-style: chr1-53676402-T-G.
Other names: c.1056T>G, p.Phe352Leu (NM_001330589.2); short protein forms F352L.
Identifiers: ClinVar variation 944068 (VCV000944068.9), dbSNP rs1645419681, ClinGen allele CA340394417.
Genomic context (GRCh38, chr1:53,210,730, plus strand): 5'-TAAGGACCTTGTCCACTTGTCCCACAATATGCTGCATGGGGATGGCACAAACCGCTGGTT[T>G]GATAAATCCTTTAACCTCATTATCGCCAAGGATGGCTCTACTGCCGTCCACTTTGAGCAC-3'
Protein context (NP_000089.1, residues 342-362): MLHGDGTNRW[Phe352Leu]DKSFNLIIAK